The following is an entry in ClinVar:

NM_014141.6(CNTNAP2):c.2541G>A (p.Lys847=)

Gene: CNTNAP2 (contactin associated protein 2; plus strand). Cytogenetic location: 7q35.
Variant type: single nucleotide variant.
Coding change: c.2541G>A on transcript NM_014141.6 (MANE Select); coding-DNA position 2541, G replaced by A.
Protein change: p.Lys847=; no amino-acid change (lysine 847 retained).
Molecular consequence: synonymous variant.
Genome position (GRCh38, 1-based): chr7:148,118,275, G>A. VCF-style: chr7-148118275-G-A. GRCh37 (hg19) VCF-style: chr7-147815367-G-A.
Identifiers: ClinVar variation 590011 (VCV000590011.15), dbSNP rs746676806, ClinGen allele CA4546420.

ClinVar aggregate classification (germline): Likely benign. Review status: criteria provided, multiple submitters, no conflicts (2 of 4 stars). 3 submissions from 3 submitters: Likely benign (3). Last evaluated 2026-01-11.

Conditions:
Inborn genetic diseases. Identifiers: MedGen C0950123, MeSH D030342.
Cortical dysplasia-focal epilepsy syndrome (PTHSL1). Also called: Pitt-Hopkins-like syndrome 1. Identifiers: Orphanet 163681, Orphanet 221150, MedGen C2750246, MONDO:0012400, OMIM 610042.

Allele frequency attached by ClinVar (database versions not stated): gnomAD 0.00001; TOPMed 0.00001; ExAC 0.00002; gnomAD exomes 0.00002.
gnomAD v4.1: 34 of 1,614,012 alleles (0.0021%); highest among the groups gnomAD compares: Non-Finnish European, 0.0026%; no homozygotes.

Submissions (3):

Labcorp Genetics (formerly Invitae), Labcorp
Classification: Likely benign for Cortical dysplasia-focal epilepsy syndrome. Last evaluated: 2026-01-11. Review status: criteria provided, single submitter. Criteria: Invitae Variant Classification Sherloc (09022015). Collection method: clinical testing. Allele origin: germline.

GeneDx
Classification: Likely benign. Last evaluated: 2018-05-15. Review status: criteria provided, single submitter. Criteria: GeneDx Variant Classification (06012015). Collection method: clinical testing. Allele origin: germline. Affected: yes.
Comment: This variant is considered likely benign or benign based on one or more of the following criteria: it is a conservative change, it occurs at a poorly conserved position in the protein, it is predicted to be benign by multiple in silico algorithms, and/or has population frequency not consistent with disease.

Ambry Genetics
Classification: Likely benign for Inborn genetic diseases. Last evaluated: 2017-01-10. Review status: criteria provided, single submitter. Criteria: Ambry Variant Classification Scheme 2023. Collection method: clinical testing. Allele origin: germline.